The following is an entry in ClinVar:

ClinVar aggregate classification (germline): Benign/Likely benign. Review status: criteria provided, multiple submitters, no conflicts (2 of 4 stars). 2 submissions from 2 submitters: Benign (1); Likely benign (1). Last evaluated 2024-11-21.

Submissions (2):

Blueprint Genetics
Classification: Likely benign. Last evaluated: 2024-11-21. Review status: criteria provided, single submitter. Criteria: ACMG Guidelines, 2015. Collection method: clinical testing. Allele origin: germline.

CeGaT Center for Human Genetics Tuebingen
Classification: Benign. Last evaluated: 2022-06-01. Review status: criteria provided, single submitter. Criteria: CeGaT Center For Human Genetics Tuebingen Variant Classification Criteria Version 2. Collection method: clinical testing. Allele origin: germline. Affected: yes. Observed: 2 variant alleles.
Comment: SUZ12: BS1, BS2

NM_015355.4(SUZ12):c.163TCC[4] (p.Ser59del)

Gene: SUZ12 (SUZ12 polycomb repressive complex 2 subunit; plus strand). Cytogenetic location: 17q11.2.
Variant type: Microsatellite.
Coding change: c.163TCC[4] on transcript NM_015355.4 (MANE Select); four copies in a row of the 3-base unit TCC starting at c.163; the reference has five copies in a row; one copy, 3 bases deleted.
Protein change: p.Ser59del; deletes serine 59.
Molecular consequence: inframe deletion.
Genome position (GRCh38, 1-based): chr17:31,937,421-31,937,423, TCC deleted; deleting any 3 consecutive bases within chr17:31,937,407-31,937,423 gives the same sequence; the position shown is the placement nearest the transcript's 3' end. VCF-style (leftmost placement, unchanged base first): chr17-31937406-GCCT-G. GRCh37 (hg19) VCF-style: chr17-30264425-GCCT-G.
Other names: c.163TCC[4], p.Ser59del (NM_001321207.2); short protein forms S59del.
Identifiers: ClinVar variation 2647644 (VCV002647644.25), dbSNP rs774288551, ClinGen allele CA8489457.